The following is an entry in ClinVar:

NM_021098.3(CACNA1H):c.1120-8C>T

Gene: CACNA1H (calcium voltage-gated channel subunit alpha1 H; plus strand). Cytogenetic location: 16p13.3.
Variant type: single nucleotide variant.
Coding change: c.1120-8C>T on transcript NM_021098.3 (MANE Select); 8 bases into the intron before coding-DNA position 1120, C replaced by T.
Molecular consequence: intron variant.
Genome position (GRCh38, 1-based): chr16:1,200,708, C>T. VCF-style: chr16-1200708-C-T. GRCh37 (hg19) VCF-style: chr16-1250708-C-T.
Other names: c.1120-8C>T (NM_001005407.2).
Identifiers: ClinVar variation 460040 (VCV000460040.42), dbSNP rs59091981, ClinGen allele CA7799815.

ClinVar aggregate classification (germline): Benign/Likely benign. Review status: criteria provided, multiple submitters, no conflicts (2 of 4 stars). 10 submissions from 10 submitters: Benign (3); Likely benign (4). 3 of the submissions do not count toward it. Last evaluated 2026-04-01.

Conditions:
CACNA1H-related disorder.
Epilepsy, childhood absence, susceptibility to, 6. Identifiers: Orphanet 64280, MedGen C2749872, MONDO:0012763, OMIM 611942.
Hyperaldosteronism, familial, type IV (HALD4). Also called: FH IV; ALDOSTERONISM, PRIMARY, AND HYPERTENSION. Identifiers: Orphanet 642671, MedGen C4310756, MONDO:0014875, OMIM 617027.
Idiopathic generalized epilepsy. Also called: EIG; Generalised epilepsy. Identifiers: MedGen C0270850, MONDO:0005579, OMIM 600669.

Allele frequency attached by ClinVar (database versions not stated): 1000 Genomes Project 30x 0.00547; 1000 Genomes Project 0.00579; ESP Exome Variant Server 0.00712; gnomAD exomes 0.00873; TOPMed 0.00898; gnomAD 0.00914 and 0.00928; ExAC 0.01550.
gnomAD v4.1: 18,363 of 1,565,138 alleles (1.2%); highest among the groups gnomAD compares: Non-Finnish European, 1.4%; 139 homozygotes.

Submissions (10):

CeGaT Center for Human Genetics Tuebingen
Classification: Benign. Last evaluated: 2026-04-01. Review status: criteria provided, single submitter. Criteria: CeGaT Center For Human Genetics Tuebingen Variant Classification Criteria Version 2. Collection method: clinical testing. Allele origin: germline. Affected: yes. Observed: 9 variant alleles.
Comment: CACNA1H: BP4, BS1, BS2

Labcorp Genetics (formerly Invitae), Labcorp
Classification: Benign for Idiopathic generalized epilepsy; Hyperaldosteronism, familial, type IV. Last evaluated: 2026-02-03. Review status: criteria provided, single submitter. Criteria: Invitae Variant Classification Sherloc (09022015). Collection method: clinical testing. Allele origin: germline.

Blueprint Genetics
Classification: Likely benign. Last evaluated: 2024-11-27. Review status: criteria provided, single submitter. Criteria: ACMG Guidelines, 2015. Collection method: clinical testing. Allele origin: germline.

Athena Diagnostics
Classification: Benign. Last evaluated: 2024-06-04. Review status: criteria provided, single submitter. Criteria: Athena Diagnostics Criteria. Collection method: clinical testing. Allele origin: unknown.

Fulgent Genetics
Classification: Likely benign for Epilepsy, childhood absence, susceptibility to, 6; Hyperaldosteronism, familial, type IV. Last evaluated: 2022-02-04. Review status: criteria provided, single submitter. Criteria: ACMG Guidelines, 2015. Collection method: clinical testing. Allele origin: unknown.

GeneDx
Classification: Likely benign. Last evaluated: 2020-10-20. Review status: criteria provided, single submitter. Criteria: GeneDx Variant Classification Process June 2021. Collection method: clinical testing. Allele origin: germline. Affected: yes.

Breakthrough Genomics
Classification: Likely benign. Review status: criteria provided, single submitter. Criteria: ACMG Guidelines, 2015. Collection method: not provided. Allele origin: germline. Inheritance: Autosomal dominant inheritance. Affected: yes.

PreventionGenetics, part of Exact Sciences
Classification: Benign for CACNA1H-related condition. Last evaluated: 2019-04-26. Review status: no assertion criteria provided. Collection method: clinical testing. Allele origin: germline. Not counted in ClinVar's aggregate classification.
Comment: This variant is classified as benign based on ACMG/AMP sequence variant interpretation guidelines (Richards et al. 2015 PMID: 25741868, with internal and published modifications).

Genome Diagnostics Laboratory, University Medical Center Utrecht
Classification: Benign. Review status: no assertion criteria provided. Collection method: clinical testing. Allele origin: germline. Affected: yes. Study: VKGL Data-share Consensus. Not counted in ClinVar's aggregate classification.

Laboratory of Diagnostic Genome Analysis, Leiden University Medical Center (LUMC)
Classification: Likely benign. Review status: no assertion criteria provided. Collection method: clinical testing. Allele origin: germline. Affected: yes. Study: VKGL Data-share Consensus. Not counted in ClinVar's aggregate classification.